The following is an entry in ClinVar:

ClinVar aggregate classification (germline): Uncertain significance. Review status: reviewed by expert panel (3 of 4 stars). 2 submissions from 2 submitters: Uncertain significance (1). 1 of the submissions does not count toward it. Last evaluated 2025-01-03.

Conditions:
Pulmonary arterial hypertension. Identifiers: Orphanet 182090, MedGen C2973725, MeSH D000081029, MONDO:0015924, HP:0002092.

Submissions (2):

Clingen Pulmonary Hypertension Variant Curation Expert Panel, ClinGen
Classification: Uncertain significance for Pulmonary arterial hypertension. Last evaluated: 2025-01-03. Review status: reviewed by expert panel. Criteria: ClinGen PH ACMG Specifications BMPR2 V1.1.0. Collection method: curation. Allele origin: germline. Inheritance: Autosomal dominant inheritance.
Comment: The c.1133G>T (p.Gly378Val) variant is a missense variant harboured in exon 9 of the BMPR2 gene, predicted to cause substitution of glycine to valine encoding the functionally relevant catalytic kinase domain but without functional evidence indicating critical or non-critical (PM1_moderate). This variant is absent from gnomAD v2.1.1 (controls) and v4.1 (PM2_supporting). The REVEL prediction algorithm score is 0.828, AlphaMissense is 0.994 indicating pathogenicity (PP3_met). The variant has been reported only once in a PAH subject (PMID: 29650961) (PS4 not met). PS2 was not assessed due to lack of paternity data. Functional studies have not been conducted for this variant (PS3 not assessed). In summary, this variant meets the criteria to be classified as a variant of uncertain significance for pulmonary arterial hypertension based on the ACMG/AMP criteria applied, as specified by the ClinGen Pulmonary Hypertension VCEP: PM1_moderate, PM2_supporting, PP3_supporting (VCEP specification version 1.1.0, 1/18/2024).

NIHR Bioresource Rare Diseases, University of Cambridge
Classification: Likely pathogenic for Pulmonary arterial hypertension. Review status: no assertion criteria provided. Collection method: research. Allele origin: unknown. Affected: yes. Observed: 1 variant allele. Not counted in ClinVar's aggregate classification.

Literature cited by the submitters: PubMed 32581362 (cited by NIHR Bioresource Rare Diseases, University of Cambridge).

NM_001204.7(BMPR2):c.1133G>T (p.Gly378Val)

Gene: BMPR2 (bone morphogenetic protein receptor type 2; plus strand). Cytogenetic location: 2q33.2.
Variant type: single nucleotide variant.
Coding change: c.1133G>T on transcript NM_001204.7 (MANE Select); coding-DNA position 1133, G replaced by T.
Protein change: p.Gly378Val; replaces glycine 378 with valine.
Molecular consequence: missense variant.
Genome position (GRCh38, 1-based): chr2:202,532,589, G>T. VCF-style: chr2-202532589-G-T. GRCh37 (hg19) VCF-style: chr2-203397312-G-T.
Other names: NM_001204.7(BMPR2):c.1133G>T; p.Gly378Val; short protein forms G378V.
Identifiers: ClinVar variation 812824 (VCV000812824.3), dbSNP rs1574494547, ClinGen allele CA350341667.